The following is an entry in ClinVar:

ClinVar aggregate classification (germline): Uncertain significance (1 of 4 stars; one submission).

Submission:

GeneDx
Classification: Uncertain significance. Last evaluated: 2025-01-06. Review status: criteria provided, single submitter. Criteria: GeneDx Variant Classification Process June 2021. Collection method: clinical testing. Allele origin: germline. Affected: yes.
Comment: Not observed at significant frequency in large population cohorts (gnomAD); In silico analysis supports that this missense variant has a deleterious effect on protein structure/function; Has not been previously published as pathogenic or benign to our knowledge

NM_001042424.3(NSD2):c.2147C>T (p.Ser716Leu)

Gene: NSD2 (nuclear receptor binding SET domain protein 2; plus strand). Cytogenetic location: 4p16.3.
Variant type: single nucleotide variant.
Coding change: c.2147C>T on transcript NM_001042424.3 (MANE Select); coding-DNA position 2147, C replaced by T.
Protein change: p.Ser716Leu; replaces serine 716 with leucine.
Molecular consequence: missense variant.
Genome position (GRCh38, 1-based): chr4:1,953,333, C>T. VCF-style: chr4-1953333-C-T. GRCh37 (hg19) VCF-style: chr4-1955060-C-T.
Other names: c.2147C>T, p.Ser716Leu (NM_133330.3, NM_133331.3, NM_133335.4); short protein forms S716L.
Identifiers: ClinVar variation 4056053 (VCV004056053.1).